The following is an entry in ClinVar:

ClinVar aggregate classification (germline): Likely benign. Review status: criteria provided, multiple submitters, no conflicts (2 of 4 stars). 3 submissions from 3 submitters: Likely benign (2). 1 of the submissions does not count toward it. Last evaluated 2018-06-15.

Conditions:
Tuberous sclerosis syndrome (TSC). Also called: Tuberous Sclerosis Complex; Tuberous sclerosis. Identifiers: Orphanet 805, MedGen C0041341, MONDO:0001734.

Allele frequency attached by ClinVar (database versions not stated): 1000 Genomes Project 0.01078; 1000 Genomes Project 30x 0.01109; gnomAD 0.02547 and 0.02672; TOPMed 0.02756; gnomAD exomes 0.03583.
gnomAD v4.1: 52,513 of 1,512,880 alleles (3.5%); highest among the groups gnomAD compares: Non-Finnish European, 4.2%; 1,111 homozygotes.

Submissions (3):

GeneDx
Classification: Likely benign. Last evaluated: 2018-06-15. Review status: criteria provided, single submitter. Criteria: GeneDx Variant Classification (06012015). Collection method: clinical testing. Allele origin: germline. Affected: yes.
Comment: This variant is considered likely benign or benign based on one or more of the following criteria: it is a conservative change, it occurs at a poorly conserved position in the protein, it is predicted to be benign by multiple in silico algorithms, and/or has population frequency not consistent with disease.

Breakthrough Genomics
Classification: Likely benign. Review status: criteria provided, single submitter. Criteria: ACMG Guidelines, 2015. Collection method: not provided. Allele origin: germline. Inheritance: Autosomal dominant inheritance. Affected: yes.

Tuberous sclerosis database (TSC2)
No classification provided. Condition: TSC. Review status: no classification provided. Criteria: Tuberous Sclerosis Database Assertion Criteria 2015. Collection method: curation. Allele origin: germline. Affected: yes. Not counted in ClinVar's aggregate classification.

NM_000548.5(TSC2):c.3883+78G>A

Gene: TSC2 (TSC complex subunit 2; plus strand). Cytogenetic location: 16p13.3.
Variant type: single nucleotide variant.
Coding change: c.3883+78G>A on transcript NM_000548.5 (MANE Select); 78 bases into the intron after coding-DNA position 3883, G replaced by A.
Molecular consequence: intron variant.
Genome position (GRCh38, 1-based): chr16:2,082,582, G>A. VCF-style: chr16-2082582-G-A. GRCh37 (hg19) VCF-style: chr16-2132583-G-A.
Other names: c.3814+784G>A (NM_001114382.3); c.3754+78G>A (NM_021055.3, NM_001370405.1); c.3685+784G>A (NM_001363528.2); c.3751+78G>A (NM_001370404.1); c.3682+784G>A (NM_001077183.3); c.3574+784G>A (NM_001318827.2); c.3151+78G>A (NM_001318831.2); c.3538+784G>A (NM_001318829.2); and 1 more.
Identifiers: ClinVar variation 49278 (VCV000049278.3), dbSNP rs1800705, ClinGen allele CA019619.